The following is an entry in ClinVar:

NM_000257.4(MYH7):c.523C>T (p.Leu175=)

Gene: MYH7 (myosin heavy chain 7; minus strand). Cytogenetic location: 14q11.2.
Variant type: single nucleotide variant.
Coding change: c.523C>T on transcript NM_000257.4 (MANE Select); coding-DNA position 523, C replaced by T.
Protein change: p.Leu175=; no amino-acid change (leucine 175 retained).
Molecular consequence: synonymous variant.
Genome position (GRCh38, 1-based): chr14:23,432,486, G>A on the plus strand (C>T on the coding strand, the complement: MYH7 is on the minus strand). VCF-style: chr14-23432486-G-A. GRCh37 (hg19) VCF-style: chr14-23901695-G-A.
Other names: c.523C>T (LRG_384t1).
Identifiers: ClinVar variation 512477 (VCV000512477.12), dbSNP rs756407787, ClinGen allele CA045799.
Genomic context (GRCh38, chr14:23,432,486, plus strand): 5'-GAGGCTGGGATCAGGGAGATTCTGAAAGGGAATACAGTAGCAGCTACACTCACGTGATCA[G>A]GATGGACTGGTTTTCTCTGTCTGTGGGGAGAGGGTGGGGAGGAAAGGTCAGGAGCTGCAC-3'
Protein context (NP_000248.2, residues 165-185): MLTDRENQSI[Leu175=]ITGESGAGKT

ClinVar aggregate classification (germline): Likely benign. Review status: criteria provided, multiple submitters, no conflicts (2 of 4 stars). 5 submissions from 5 submitters: Likely benign (5). Last evaluated 2025-02-12.

Conditions:
Hypertrophic cardiomyopathy. Also called: HYPERTROPHIC MYOCARDIOPATHY. Identifiers: Orphanet 217569, MedGen C0007194, MeSH D002312, MONDO:0005045, HP:0001639.
Cardiomyopathy (CMYO). Also called: Cardiomyopathies. Identifiers: Orphanet 167848, MedGen C0878544, MONDO:0004994, HP:0001638. Inheritance: Various modes of inheritance.
Cardiovascular phenotype. Identifiers: MedGen CN230736.

Allele frequency attached by ClinVar (database versions not stated): gnomAD exomes below 0.00001; ExAC 0.00001; gnomAD 0.00001; TOPMed 0.00001.
gnomAD v4.1: 7 of 1,614,030 alleles (0.00043%); highest among the groups gnomAD compares: African/African-American, 0.004%; no homozygotes.

Submissions (5):

Labcorp Genetics (formerly Invitae), Labcorp
Classification: Likely benign for Hypertrophic cardiomyopathy. Last evaluated: 2025-02-12. Review status: criteria provided, single submitter. Criteria: Invitae Variant Classification Sherloc (09022015). Collection method: clinical testing. Allele origin: germline.

All of Us Research Program, National Institutes of Health
Classification: Likely benign for Cardiomyopathy. Last evaluated: 2024-04-25. Review status: criteria provided, single submitter. Criteria: ACMG Guidelines, 2015. Collection method: clinical testing. Allele origin: germline. Inheritance: Autosomal dominant inheritance. Observed: 2 variant alleles, 2 heterozygotes.
Comment: This study involves interpretation of variants in research participants for the purpose of population health screening. Participant phenotype was not available at the time of variant classification. Additional details can be found in publication PMID: 35346344, PMCID: PMC8962531

Color Diagnostics, LLC DBA Color Health
Classification: Likely benign for Cardiomyopathy. Last evaluated: 2024-03-05. Review status: criteria provided, single submitter. Criteria: ACMG Guidelines, 2015. Collection method: clinical testing. Allele origin: germline.

Ambry Genetics
Classification: Likely benign for Cardiovascular phenotype. Last evaluated: 2023-06-29. Review status: criteria provided, single submitter. Criteria: Ambry Variant Classification Scheme 2023. Collection method: clinical testing. Allele origin: germline.

GeneDx
Classification: Likely benign. Last evaluated: 2017-10-02. Review status: criteria provided, single submitter. Criteria: GeneDx Variant Classification (06012015). Collection method: clinical testing. Allele origin: germline. Affected: yes.
Comment: This variant is considered likely benign or benign based on one or more of the following criteria: it is a conservative change, it occurs at a poorly conserved position in the protein, it is predicted to be benign by multiple in silico algorithms, and/or has population frequency not consistent with disease.